The following is an entry in ClinVar:

NM_000051.4(ATM):c.7981G>C (p.Asp2661His)

Genes: ATM (ATM serine/threonine kinase; plus strand), C11orf65 (chromosome 11 open reading frame 65; minus strand). Cytogenetic location: 11q22.3.
Variant type: single nucleotide variant.
Coding change: c.7981G>C on transcript NM_000051.4 (MANE Select); coding-DNA position 7981, G replaced by C.
Protein change: p.Asp2661His; replaces aspartic acid 2661 with histidine.
Molecular consequence: missense variant. On other transcripts: intron variant (2).
Genome position (GRCh38, 1-based): chr11:108,333,939, G>C. VCF-style: chr11-108333939-G-C. GRCh37 (hg19) VCF-style: chr11-108204666-G-C.
Other names: c.7981G>C, p.Asp2661His (NM_001351834.2); c.641-24868C>G (NM_001330368.2); c.*38+1281C>G (NM_001351110.2); short protein forms D2661H.
Identifiers: ClinVar variation 3967656 (VCV003967656.1).

ClinVar aggregate classification (germline): Uncertain significance (1 of 4 stars; one submission).

Conditions:
Hereditary cancer-predisposing syndrome. Also called: Neoplastic Syndromes, Hereditary; Tumor predisposition; Hereditary Cancer Syndrome; Hereditary neoplastic syndrome. Identifiers: Orphanet 140162, MedGen C0027672, MeSH D009386, MONDO:0015356.

Submission:

Ambry Genetics
Classification: Uncertain significance for Hereditary cancer-predisposing syndrome. Last evaluated: 2025-06-12. Review status: criteria provided, single submitter. Criteria: Ambry Variant Classification Scheme 2023. Collection method: clinical testing. Allele origin: germline.
Comment: The p.D2661H variant (also known as c.7981G>C), located in coding exon 53 of the ATM gene, results from a G to C substitution at nucleotide position 7981. The aspartic acid at codon 2661 is replaced by histidine, an amino acid with similar properties. This amino acid position is conserved. In addition, this alteration is predicted to be tolerated by in silico analysis. Based on the available evidence, the clinical significance of this variant remains unclear.